The following is an entry in ClinVar:

NM_000186.4(CFH):c.3134-5T>A

Gene: CFH (complement factor H; plus strand). Cytogenetic location: 1q31.3.
Variant type: single nucleotide variant.
Coding change: c.3134-5T>A on transcript NM_000186.4 (MANE Select); 5 bases into the intron before coding-DNA position 3134, T replaced by A.
Molecular consequence: intron variant.
Genome position (GRCh38, 1-based): chr1:196,743,447, T>A. VCF-style: chr1-196743447-T-A. GRCh37 (hg19) VCF-style: chr1-196712577-T-A.
Identifiers: ClinVar variation 4291539 (VCV004291539.1).
Genomic context (GRCh38, chr1:196,743,447, plus strand): 5'-GTTATCAGTTGATTTGCTACTCAAAATGAACACTAGGTGGAACCACTTCTTTTTTTTCTA[T>A]TCAGACACCTCCTGTGTGAATCCGCCCACAGTACAAAATGCTTATATAGTGTCGAGACAG-3'

ClinVar aggregate classification (germline): Uncertain significance (1 of 4 stars; one submission).

Conditions:
Atypical hemolytic-uremic syndrome. Identifiers: Orphanet 2134, MedGen C2931788, MONDO:0016244.
Basal laminar drusen. Also called: DRUSEN OF BRUCH MEMBRANE; DRUSEN, CUTICULAR; DRUSEN, EARLY ADULT-ONSET, GROUPED. Identifiers: Orphanet 75376, MedGen C0730295, MONDO:0007472, OMIM 126700.
Factor H deficiency (CFHD). Also called: COMPLEMENT FACTOR H DEFICIENCY; CFH DEFICIENCY. Identifiers: Orphanet 200421, MedGen C0398777, MONDO:0012350, OMIM 609814.
Age related macular degeneration 4. Identifiers: MedGen C1853147, MONDO:0012540, OMIM 610698.

Submission:

Genomenon, Inc
Classification: Uncertain significance for Basal laminar drusen; Age related macular degeneration 4; Atypical hemolytic-uremic syndrome; Factor H deficiency. Last evaluated: 2025-10-02. Review status: criteria provided, single submitter. Criteria: Genomenon Sequence Variant Interpretation Standards - Updated. Collection method: curation. Allele origin: germline. Affected: no.
Comment: CFH c.3134-5T>A is a splice variant located in the acceptor splice region of intron 19. This variant has been reported in the published literature (PMID:29148534). It is absent or not present at a significant frequency in gnomAD. In silico models agree that this variant is not damaging. In conclusion, we classify CFH c.3134-5T>A as a variant of uncertain significance.

Literature cited by the submitters: PubMed 29148534.